The following is an entry in ClinVar:

ClinVar aggregate classification (germline): Pathogenic. Review status: reviewed by expert panel (3 of 4 stars). 6 submissions from 6 submitters: Pathogenic (1). 5 of the submissions do not count toward it. Last evaluated 2023-08-25.

Conditions:
CDH1-related diffuse gastric and lobular breast cancer syndrome. Also called: CDH1-related diffuse gastric and lobular breast cancer. Identifiers: MedGen CN311521, MONDO:0100488.
Hereditary cancer-predisposing syndrome. Also called: Hereditary neoplastic syndrome; Tumor predisposition; Neoplastic Syndromes, Hereditary; Hereditary Cancer Syndrome. Identifiers: Orphanet 140162, MedGen C0027672, MeSH D009386, MONDO:0015356.
Hereditary diffuse gastric adenocarcinoma (HDGC). Also called: DIFFUSE GASTRIC AND LOBULAR BREAST CANCER SYNDROME. Identifiers: Orphanet 26106, MedGen C1708349, MONDO:0007648, OMIM 137215.

Submissions (6):

Clingen Gastric Cancer Variant Curation Expert Panel
Classification: Pathogenic for CDH1-related diffuse gastric and lobular breast cancer syndrome. Last evaluated: 2023-08-25. Review status: reviewed by expert panel. Criteria: ClinGen CDH1 ACMG Specifications V3.1. Collection method: curation. Allele origin: germline. Inheritance: Autosomal dominant inheritance.
Comment: The c.720del p.(Asn240fs) variant is predicted to result in a premature stop codon that leads to a truncated or absent protein (PVS1, PM5_Supporting). This variant is absent in the gnomAD cohort (PM2_Supporting). The variant has been reported in at least one family meeting HDGC clinical criteria (PS4_Supporting; SCV000580709.3). In summary, this variant meets criteria to be classified as pathogenic based on the ACMG/AMP criteria applied as specified by the CDH1 Variant Curation Expert Panel (Variant Interpretation Guidelines Version 3.1): PVS1, PM2_Supporting, PS4_Supporting, PM5_Supporting.

Myriad Genetics, Inc.
Classification: Pathogenic for Hereditary diffuse gastric adenocarcinoma. Last evaluated: 2023-03-03. Review status: criteria provided, single submitter. Criteria: Myriad Autosomal Dominant, Autosomal Recessive and X-Linked Classification Criteria (2023). Collection method: clinical testing. Allele origin: unknown. Not counted in ClinVar's aggregate classification.
Comment: This variant is considered pathogenic. This variant creates a frameshift predicted to result in premature protein truncation.

Labcorp Genetics (formerly Invitae), Labcorp
Classification: Pathogenic for Hereditary diffuse gastric adenocarcinoma. Last evaluated: 2021-03-26. Review status: criteria provided, single submitter. Criteria: Invitae Variant Classification Sherloc (09022015). Collection method: clinical testing. Allele origin: germline. Not counted in ClinVar's aggregate classification.
Comment: This variant has not been reported in the literature in individuals with CDH1-related conditions. ClinVar contains an entry for this variant (Variation ID: 428631). For these reasons, this variant has been classified as Pathogenic. Loss-of-function variants in CDH1 are known to be pathogenic (PMID: 15235021, 20373070). This variant is not present in population databases (ExAC no frequency). This sequence change creates a premature translational stop signal (p.Asn240Lysfs*10) in the CDH1 gene. It is expected to result in an absent or disrupted protein product.

GeneDx
Classification: Pathogenic. Last evaluated: 2020-01-27. Review status: criteria provided, single submitter. Criteria: GeneDx Variant Classification Process June 2021. Collection method: clinical testing. Allele origin: germline. Affected: yes. Not counted in ClinVar's aggregate classification.
Comment: Frameshift variant predicted to result in protein truncation or nonsense mediated decay in a gene for which loss-of-function is a known mechanism of disease; Not observed in large population cohorts (Lek et al., 2016); Has not been previously published as pathogenic or benign to our knowledge

Ambry Genetics
Classification: Pathogenic for Hereditary cancer-predisposing syndrome. Last evaluated: 2018-08-30. Review status: criteria provided, single submitter. Criteria: Ambry Variant Classification Scheme 2023. Collection method: clinical testing. Allele origin: germline. Not counted in ClinVar's aggregate classification.
Comment: The c.720delT pathogenic mutation, located in coding exon 6 of the CDH1 gene, results from a deletion of one nucleotide at nucleotide position 720, causing a translational frameshift with a predicted alternate stop codon (p.N240Kfs*10). This alteration is expected to result in loss of function by premature protein truncation or nonsense-mediated mRNA decay. As such, this alteration is interpreted as a disease-causing mutation.

Counsyl
Classification: Likely pathogenic for Hereditary diffuse gastric adenocarcinoma. Last evaluated: 2018-03-12. Review status: no assertion criteria provided. Collection method: clinical testing. Allele origin: unknown. Not counted in ClinVar's aggregate classification.

Literature cited by the submitters: PubMed 15235021 (cited by Labcorp Genetics (formerly Invitae), Labcorp); PubMed 20373070 (cited by Labcorp Genetics (formerly Invitae), Labcorp).

NM_004360.5(CDH1):c.720del (p.Asn240fs)

Gene: CDH1 (cadherin 1; plus strand). Cytogenetic location: 16q22.1.
Variant type: Deletion.
Coding change: c.720del on transcript NM_004360.5 (MANE Select); coding-DNA position 720, one base deleted (T; older notation c.720delT).
Protein change: p.Asn240fs; shifts the reading frame from asparagine 240.
Molecular consequence: frameshift variant. On other transcripts: 5 prime UTR variant (2).
Genome position (GRCh38, 1-based): chr16:68,810,229, T deleted. VCF-style (leftmost placement, unchanged base first): chr16-68810228-AT-A. GRCh37 (hg19) VCF-style: chr16-68844131-AT-A.
Other names: c.720del (LRG_301t1, NM_004360.3); c.720del, p.Asn240fs (NM_001317184.2); c.-896del (NM_001317185.2); c.-1100del (NM_001317186.2); short protein forms N240fs.
Identifiers: ClinVar variation 428631 (VCV000428631.19), dbSNP rs1131690819, ClinGen allele CA645369679.